The following is an entry in ClinVar:

NM_001458.5(FLNC):c.3547_3548delinsCT (p.Ala1183Leu)

Gene: FLNC (filamin C; plus strand). Cytogenetic location: 7q32.1.
Variant type: Indel.
Coding change: c.3547_3548delinsCT on transcript NM_001458.5 (MANE Select); coding-DNA positions 3547 to 3548, GC replaced by CT.
Protein change: p.Ala1183Leu; replaces alanine 1183 with leucine.
Molecular consequence: missense variant.
Genome position (GRCh38, 1-based): chr7:128,845,012-128,845,013, GC replaced by CT. VCF-style: chr7-128845012-GC-CT. GRCh37 (hg19) VCF-style: chr7-128485066-GC-CT.
Other names: c.3547_3548delinsCT, p.Ala1183Leu (NM_001127487.2); short protein forms A1183L.
Identifiers: ClinVar variation 430733 (VCV000430733.2), dbSNP rs1131692185, ClinGen allele CA645372843.
Genomic context (GRCh38, chr7:128,845,012, plus strand): 5'-CCGGGCCTGGAGCGCGGCAAGGTCGGTGAGGCAGCCACCTTCACTGTGGACTGCTCAGAG[GC>CT]AGGCGAGGCGGAGCTGACCATTGAGATCCTGTCGGATGCCGGGGTCAAGGCCGAGGTGCT-3'
Protein context (NP_001449.3, residues 1173-1193): AATFTVDCSE[Ala1183Leu]GEAELTIEIL

ClinVar aggregate classification (germline): Likely pathogenic (1 of 4 stars; one submission).

Conditions:
Hypertrophic cardiomyopathy 26. Also called: Cardiomyopathy, familial hypertrophic, 26. Identifiers: Orphanet 75249, MedGen C4310749, MONDO:0014883, OMIM 617047.

Submission:

Institute Of Molecular Biology And Genetics, Federal Almazov National Medical Research Centre
Classification: Likely pathogenic for Hypertrophic cardiomyopathy 26. Last evaluated: 2017-06-12. Review status: criteria provided, single submitter. Criteria: ACMG Guidelines, 2015. Collection method: research. Allele origin: unknown. Inheritance: Autosomal dominant inheritance. Affected: yes.
Comment: The variant is absent in both parents so presumably suggested to be de novo even though the paternity verification was not performed. No severe arrhythmias or signs and of central nervous system involvement are detected. The two nucleotide change in FLNC resulted in A1183L predicted to be deleterious by prediction analysis.